The following is an entry in ClinVar:

ClinVar aggregate classification (germline): Pathogenic (1 of 4 stars; one submission).

Submission:

ISCA site 15
Classification: Pathogenic. Last evaluated: 2011-08-12. Review status: criteria provided, single submitter. Criteria: Kaminsky et al. (Genet Med. 2011). Collection method: clinical testing. Allele origin: de novo. Affected: yes. Observed: 1 variant allele.
Comment: Copy number variation identified through the course of routine clinical cytogenomic testing in postnatal populations. Clinical assertions have been curated as described in Kaminsky et al. 2011.

GRCh38/hg38 2q36.3-37.2(chr2:227343278-235339168)x1

Genes: MFF (mitochondrial fission factor; plus strand), MIR1244-1 (microRNA 1244-1; plus strand), MIR1471 (microRNA 1471; minus strand), MIR4777 (microRNA 4777; plus strand), MIR5001 (microRNA 5001; minus strand) and 344 more. Cytogenetic location: 2q36.3-37.2.
Variant type: copy number loss.
Change: copy number 1 (one copy instead of two) of chr2:227,343,278-235,339,168 (8.00 Mb, GRCh38 coordinates, 1-based), cytogenetic band 2q36.3-37.2.
Identifiers: ClinVar variation 58848 (VCV000058848.1).